The following is an entry in ClinVar:

ClinVar aggregate classification (germline): Uncertain significance. Review status: criteria provided, multiple submitters, no conflicts (2 of 4 stars). 4 submissions from 3 submitters: Uncertain significance (4). Last evaluated 2024-01-11.

Conditions:
Cone-rod dystrophy 13 (CORD13). Identifiers: Orphanet 1872, MedGen C2750720, MONDO:0011987, OMIM 608194.
Leber congenital amaurosis 6 (LCA6). Identifiers: Orphanet 65, MedGen C1854260, MONDO:0013446, OMIM 613826.

Allele frequency attached by ClinVar (database versions not stated): gnomAD 0.00004 and 0.00005; TOPMed 0.00004; gnomAD exomes 0.00006; ExAC 0.00008.
gnomAD v4.1: 55 of 1,613,774 alleles (0.0034%); highest among the groups gnomAD compares: Middle Eastern, 0.016%; no homozygotes.

Submissions (4):

Labcorp Genetics (formerly Invitae), Labcorp
Classification: Uncertain significance for Leber congenital amaurosis 6; Cone-rod dystrophy 13. Last evaluated: 2024-01-11. Review status: criteria provided, single submitter. Criteria: Invitae Variant Classification Sherloc (09022015). Collection method: clinical testing. Allele origin: germline.
Comment: This sequence change replaces arginine, which is basic and polar, with histidine, which is basic and polar, at codon 827 of the RPGRIP1 protein (p.Arg827His). This variant is present in population databases (rs28937883, gnomAD 0.03%). This variant has not been reported in the literature in individuals affected with RPGRIP1-related conditions. ClinVar contains an entry for this variant (Variation ID: 881493). Advanced modeling of protein sequence and biophysical properties (such as structural, functional, and spatial information, amino acid conservation, physicochemical variation, residue mobility, and thermodynamic stability) performed at Invitae indicates that this missense variant is not expected to disrupt RPGRIP1 protein function with a negative predictive value of 80%. In summary, the available evidence is currently insufficient to determine the role of this variant in disease. Therefore, it has been classified as a Variant of Uncertain Significance.

Blueprint Genetics
Classification: Uncertain significance. Last evaluated: 2023-11-30. Review status: criteria provided, single submitter. Criteria: ACMG Guidelines, 2015. Collection method: clinical testing. Allele origin: germline.

Illumina Laboratory Services, Illumina
Classification: Uncertain significance for Cone-rod dystrophy 13. Last evaluated: 2018-01-13. Review status: criteria provided, single submitter. Criteria: ICSL Variant Classification Criteria 13 December 2019. Collection method: clinical testing. Allele origin: germline.

Illumina Laboratory Services, Illumina
Classification: Uncertain significance for Leber congenital amaurosis 6. Last evaluated: 2018-01-13. Review status: criteria provided, single submitter. Criteria: ICSL Variant Classification Criteria 13 December 2019. Collection method: clinical testing. Allele origin: germline.

NM_020366.4(RPGRIP1):c.2480G>A (p.Arg827His)

Gene: RPGRIP1 (RPGR interacting protein 1; plus strand). Cytogenetic location: 14q11.2.
Variant type: single nucleotide variant.
Coding change: c.2480G>A on transcript NM_020366.4 (MANE Select); coding-DNA position 2480, G replaced by A.
Protein change: p.Arg827His; replaces arginine 827 with histidine.
Molecular consequence: missense variant. On other transcripts: intron variant (4).
Genome position (GRCh38, 1-based): chr14:21,325,943, G>A. VCF-style: chr14-21325943-G-A. GRCh37 (hg19) VCF-style: chr14-21794102-G-A.
Other names: c.1406G>A, p.Arg469His (NM_001377948.1); c.796+1218G>A (NM_001377949.1); c.689-1680G>A (NM_001377523.1, NM_001377950.1); c.191-1680G>A (NM_001377951.1); short protein forms R469H, R827H.
Identifiers: ClinVar variation 881493 (VCV000881493.7), dbSNP rs28937883, ClinGen allele CA7089273.